The following is an entry in ClinVar:

ClinVar aggregate classification (germline): Uncertain significance (1 of 4 stars; one submission).

Conditions:
Hereditary cancer-predisposing syndrome. Also called: Tumor predisposition; Hereditary neoplastic syndrome; Hereditary Cancer Syndrome; Neoplastic Syndromes, Hereditary. Identifiers: Orphanet 140162, MedGen C0027672, MeSH D009386, MONDO:0015356.

Submission:

Ambry Genetics
Classification: Uncertain significance for Hereditary cancer-predisposing syndrome. Last evaluated: 2023-12-08. Review status: criteria provided, single submitter. Criteria: Ambry Variant Classification Scheme 2023. Collection method: clinical testing. Allele origin: germline.
Comment: The p.W1366R variant (also known as c.4096T>C), located in coding exon 28 of the ALK gene, results from a T to C substitution at nucleotide position 4096. The tryptophan at codon 1366 is replaced by arginine, an amino acid with dissimilar properties. This amino acid position is conserved. In addition, this alteration is predicted to be deleterious by in silico analysis. Since supporting evidence is limited at this time, the clinical significance of this alteration remains unclear.

NM_004304.5(ALK):c.4096T>C (p.Trp1366Arg)

Gene: ALK (ALK receptor tyrosine kinase; minus strand). Cytogenetic location: 2p23.2.
Variant type: single nucleotide variant.
Coding change: c.4096T>C on transcript NM_004304.5 (MANE Select); coding-DNA position 4096, T replaced by C.
Protein change: p.Trp1366Arg; replaces tryptophan 1366 with arginine.
Molecular consequence: missense variant.
Genome position (GRCh38, 1-based): chr2:29,196,838, A>G on the plus strand (T>C on the coding strand, the complement: ALK is on the minus strand). VCF-style: chr2-29196838-A-G. GRCh37 (hg19) VCF-style: chr2-29419704-A-G.
Other names: c.892T>C, p.Trp298Arg (NM_001353765.2); short protein forms W1366R, W298R.
Identifiers: ClinVar variation 3223890 (VCV003223890.1), dbSNP rs2148141926, ClinGen allele CA346465337.
Genomic context (GRCh38, chr2:29,196,838, plus strand): 5'-AGTATTCAATCCTCTCCAAAATGATGGCAAAGTTGGGCCTGTCTTCAGGCTGATGTTGCC[A>G]GCACTGAGTCATTATCCGGTATCTAAAAGAAGAAGCACATTAATTAAAATAAGGAGAAGC-3'
Protein context (NP_004295.2, residues 1356-1376): GPVYRIMTQC[Trp1366Arg]QHQPEDRPNF